The following is an entry in ClinVar:

NM_003172.4(SURF1):c.41_50dup (p.Arg18fs)

Genes: SURF1 (SURF1 cytochrome c oxidase assembly factor; minus strand), LOC130002899 (ATAC-STARR-seq lymphoblastoid silent region 20452; plus strand). Cytogenetic location: 9q34.2.
Variant type: Duplication.
Coding change: c.41_50dup on transcript NM_003172.4 (MANE Select); coding-DNA positions 41 to 50, 10 bases duplicated (CGGGGCTGGG; older notation c.41_50dupCGGGGCTGGG).
Protein change: p.Arg18fs; shifts the reading frame from arginine 18.
Molecular consequence: frameshift variant. On other transcripts: 5 prime UTR variant (1).
Genome position (GRCh38, 1-based): chr9:133,356,404-133,356,413, CCCAGCCCCG duplicated on the plus strand (CGGGGCTGGG on the coding strand, the reverse complement: SURF1 is on the minus strand); duplicating any 10 consecutive bases within chr9:133,356,404-133,356,415 gives the same sequence; the c. name uses the placement nearest the transcript's 3' end. VCF-style (leftmost placement, unchanged base first): chr9-133356403-T-TCCCAGCCCCG. GRCh37 (hg19) VCF-style: chr9-136223279-T-TCCCAGCCCCG.
Other names: c.-235_-226dup (NM_001280787.1); short protein forms R18fs.
Identifiers: ClinVar variation 3668149 (VCV003668149.2).
Genomic context (GRCh38, chr9:133,356,403, plus strand): 5'-TGAGCTCCGGGACCCCTCCCCGCGCCCCGCACCCCGCACCCCGCACCCGGCGCTCACCCG[T>TCCCAGCCCCG]CCCAGCCCCGCCGCCCGCAGCCCCAGCTGCAACGCAGCCACCGCCGCCATCGCACCCGGC-3'

ClinVar aggregate classification (germline): Pathogenic (1 of 4 stars; one submission).

Conditions:
Leigh syndrome (NULS). Also called: Leigh Syndrome (mtDNA deletion); Leigh's syndrome; Leigh Disease; Subacute necrotizing encephalopathy; Necrotizing encephalopathy infantile subacute of Leigh; Leigh's necrotizing encephalopathy. Identifiers: Orphanet 506, MedGen C2931891, MONDO:0009723, OMIM 256000.

Submission:

Labcorp Genetics (formerly Invitae), Labcorp
Classification: Pathogenic for Leigh syndrome. Last evaluated: 2025-05-02. Review status: criteria provided, single submitter. Criteria: Invitae Variant Classification Sherloc (09022015). Collection method: clinical testing. Allele origin: germline.
Comment: This sequence change creates a premature translational stop signal (p.Arg18Glyfs*45) in the SURF1 gene. It is expected to result in an absent or disrupted protein product. Loss-of-function variants in SURF1 are known to be pathogenic (PMID: 10443880, 22488715, 24027061). This variant is not present in population databases (gnomAD no frequency). This variant has not been reported in the literature in individuals affected with SURF1-related conditions. ClinVar contains an entry for this variant (Variation ID: 3668149). Algorithms developed to predict the effect of sequence changes on RNA splicing suggest that this variant may disrupt the consensus splice site. For these reasons, this variant has been classified as Pathogenic.

Literature cited by the submitters: PubMed 10443880; PubMed 22488715; PubMed 24027061.